The following is an entry in ClinVar:

ClinVar aggregate classification (germline): Uncertain significance (1 of 4 stars; one submission).

Submission:

Labcorp Genetics (formerly Invitae), Labcorp
Classification: Uncertain significance. Last evaluated: 2022-02-10. Review status: criteria provided, single submitter. Criteria: Invitae Variant Classification Sherloc (09022015). Collection method: clinical testing. Allele origin: germline.
Comment: This sequence change replaces cysteine, which is neutral and slightly polar, with serine, which is neutral and polar, at codon 48 of the CFI protein (p.Cys48Ser). In summary, the available evidence is currently insufficient to determine the role of this variant in disease. Therefore, it has been classified as a Variant of Uncertain Significance. Advanced modeling of protein sequence and biophysical properties (such as structural, functional, and spatial information, amino acid conservation, physicochemical variation, residue mobility, and thermodynamic stability) performed at Invitae indicates that this missense variant is expected to disrupt CFI protein function. This variant has not been reported in the literature in individuals affected with CFI-related conditions. This variant is not present in population databases (gnomAD no frequency).

NM_000204.5(CFI):c.142T>A (p.Cys48Ser)

Gene: CFI (complement factor I; minus strand). Cytogenetic location: 4q25.
Variant type: single nucleotide variant.
Coding change: c.142T>A on transcript NM_000204.5 (MANE Select); coding-DNA position 142, T replaced by A.
Protein change: p.Cys48Ser; replaces cysteine 48 with serine.
Molecular consequence: missense variant. On other transcripts: non-coding transcript variant (3), intron variant (1).
Genome position (GRCh38, 1-based): chr4:109,766,740, A>T on the plus strand (T>A on the coding strand, the complement: CFI is on the minus strand). VCF-style: chr4-109766740-A-T. GRCh37 (hg19) VCF-style: chr4-110687896-A-T.
Other names: c.142T>A, p.Cys48Ser (NM_001318057.2, NM_001331035.2, NM_001375278.1 and 5 more transcripts); c.-127-5048T>A (NM_001375284.1); short protein forms C48S.
Identifiers: ClinVar variation 1465842 (VCV001465842.8), dbSNP rs917781030, ClinGen allele CA357865600.
Genomic context (GRCh38, chr4:109,766,740, plus strand): 5'-GGCACTGATACGGTAGTTTACAAACACAGGTGCCCTCAATGCATCTCTGCCATGGCTGGC[A>T]GAAGACTTTATCGCAGGAGAGGTGAGTATATTTTTTTGCTAAGCACTTTTTCTCCACCAG-3'
Protein context (NP_000195.3, residues 38-58): YTHLSCDKVF[Cys48Ser]QPWQRCIEGT